The following is an entry in ClinVar:

NM_139318.5(KCNH5):c.302A>C (p.Asn101Thr)

Gene: KCNH5 (potassium voltage-gated channel subfamily H member 5; minus strand). Cytogenetic location: 14q23.2.
Variant type: single nucleotide variant.
Coding change: c.302A>C on transcript NM_139318.5 (MANE Select); coding-DNA position 302, A replaced by C.
Protein change: p.Asn101Thr; replaces asparagine 101 with threonine.
Molecular consequence: missense variant.
Genome position (GRCh38, 1-based): chr14:63,006,368, T>G on the plus strand (A>C on the coding strand, the complement: KCNH5 is on the minus strand). VCF-style: chr14-63006368-T-G. GRCh37 (hg19) VCF-style: chr14-63473086-T-G.
Other names: c.302A>C, p.Asn101Thr (NM_172375.3); short protein forms N101T.
Identifiers: ClinVar variation 3532382 (VCV003532382.2).
Genomic context (GRCh38, chr14:63,006,368, plus strand): 5'-TACCAAACATAATATTAATAAAGAGTTGGCACATCTTATTAATAATTGAGATACCTACTG[T>G]TTTTCTTGTACAGAAGAACTTCAAAGCAGTTTGATTCGTAGTTGTCAAAAGTTTGCCTGA-3'
Protein context (NP_647479.2, residues 91-111): NCFEVLLYKK[Asn101Thr]RTPVWFYMQI

ClinVar aggregate classification (germline): Uncertain significance. Review status: criteria provided, multiple submitters, no conflicts (2 of 4 stars). 2 submissions from 2 submitters: Uncertain significance (2). Last evaluated 2025-04-07.

Conditions:
Early-infantile DEE. Also called: Early infantile epileptic encephalopathy; Ohtahara syndrome; Early infantile epileptic encephalopathy with suppression bursts. Identifiers: Orphanet 1934, MedGen C0393706, MONDO:0800491.
Inborn genetic diseases. Identifiers: MedGen C0950123, MeSH D030342.

gnomAD v4.1: 4 of 1,596,020 alleles (0.00025%); highest among the groups gnomAD compares: Admixed American, 0.0067%; no homozygotes.

Submissions (2):

Labcorp Genetics (formerly Invitae), Labcorp
Classification: Uncertain significance for Early-infantile DEE. Last evaluated: 2025-04-07. Review status: criteria provided, single submitter. Criteria: Invitae Variant Classification Sherloc (09022015). Collection method: clinical testing. Allele origin: germline.
Comment: This sequence change replaces asparagine, which is neutral and polar, with threonine, which is neutral and polar, at codon 101 of the KCNH5 protein (p.Asn101Thr). This variant is present in population databases (no rsID available, gnomAD 0.009%). This variant has not been reported in the literature in individuals affected with KCNH5-related conditions. ClinVar contains an entry for this variant (Variation ID: 3532382). An algorithm developed to predict the effect of missense changes on protein structure and function (PolyPhen-2) suggests that this variant is likely to be tolerated. In summary, the available evidence is currently insufficient to determine the role of this variant in disease. Therefore, it has been classified as a Variant of Uncertain Significance.

Ambry Genetics
Classification: Uncertain significance for Inborn genetic diseases. Last evaluated: 2024-11-08. Review status: criteria provided, single submitter. Criteria: Ambry Variant Classification Scheme 2023. Collection method: clinical testing. Allele origin: germline.